The following is an entry in ClinVar:

ClinVar aggregate classification (germline): Uncertain significance. Review status: criteria provided, multiple submitters, no conflicts (2 of 4 stars). 3 submissions from 3 submitters: Uncertain significance (3). Last evaluated 2023-12-29.

Conditions:
Autosomal dominant hypocalcemia 1 (HYPOC1). Also called: HYPOCALCEMIA, FAMILIAL. Identifiers: MedGen C3715128, MONDO:0011013, OMIM 601198.
Familial hypocalciuric hypercalcemia (FHH). Also called: Familial benign hypercalcemia. Identifiers: Orphanet 405, MedGen C1809471, MONDO:0018458.
Nephrolithiasis/nephrocalcinosis. Identifiers: MedGen CN580796.

Allele frequency attached by ClinVar (database versions not stated): TOPMed below 0.00001; gnomAD 0.00001; gnomAD exomes 0.00001.
gnomAD v4.1: 13 of 1,614,068 alleles (0.00081%); highest among the groups gnomAD compares: Non-Finnish European, 0.0011%; no homozygotes.

Submissions (3):

Ambry Genetics
Classification: Uncertain significance for Nephrolithiasis/nephrocalcinosis. Last evaluated: 2023-12-29. Review status: criteria provided, single submitter. Criteria: Ambry Variant Classification Scheme 2023. Collection method: clinical testing. Allele origin: germline.
Comment: The p.E981G variant (also known as c.2942A>G), located in coding exon 6 of the CASR gene, results from an A to G substitution at nucleotide position 2942. The glutamic acid at codon 981 is replaced by glycine, an amino acid with similar properties. This amino acid position is conserved. In addition, this alteration is predicted to be deleterious by in silico analysis. Since supporting evidence is limited at this time, the clinical significance of this alteration remains unclear.

Labcorp Genetics (formerly Invitae), Labcorp
Classification: Uncertain significance for Familial hypocalciuric hypercalcemia; Autosomal dominant hypocalcemia 1. Last evaluated: 2022-09-01. Review status: criteria provided, single submitter. Criteria: Invitae Variant Classification Sherloc (09022015). Collection method: clinical testing. Allele origin: germline.
Comment: This sequence change replaces glutamic acid, which is acidic and polar, with glycine, which is neutral and non-polar, at codon 981 of the CASR protein (p.Glu981Gly). This variant is not present in population databases (gnomAD no frequency). This variant has not been reported in the literature in individuals affected with CASR-related conditions. ClinVar contains an entry for this variant (Variation ID: 935976). Algorithms developed to predict the effect of missense changes on protein structure and function (SIFT, PolyPhen-2, Align-GVGD) all suggest that this variant is likely to be disruptive. In summary, the available evidence is currently insufficient to determine the role of this variant in disease. Therefore, it has been classified as a Variant of Uncertain Significance.

Revvity Omics, Revvity
Classification: Uncertain significance. Last evaluated: 2021-02-04. Review status: criteria provided, single submitter. Criteria: ACMG Guidelines, 2015. Collection method: clinical testing. Allele origin: germline.

NM_000388.4(CASR):c.2942A>G (p.Glu981Gly)

Gene: CASR (calcium sensing receptor; plus strand). Cytogenetic location: 3q21.1.
Variant type: single nucleotide variant.
Coding change: c.2942A>G on transcript NM_000388.4 (MANE Select); coding-DNA position 2942, A replaced by G.
Protein change: p.Glu981Gly; replaces glutamic acid 981 with glycine.
Molecular consequence: missense variant.
Genome position (GRCh38, 1-based): chr3:122,284,896, A>G. VCF-style: chr3-122284896-A-G. GRCh37 (hg19) VCF-style: chr3-122003743-A-G.
Other names: c.2972A>G, p.Glu991Gly (NM_001178065.2); short protein forms E991G, E981G.
Identifiers: ClinVar variation 935976 (VCV000935976.13), dbSNP rs766653315, ClinGen allele CA82749358.
Genomic context (GRCh38, chr3:122,284,896, plus strand): 5'-GATGCAAGCAGAAGGTCATCTTTGGCAGCGGCACGGTCACCTTCTCACTGAGCTTTGATG[A>G]GCCTCAGAAGAACGCCATGGCCCACAGGAATTCTACGCACCAGAACTCCCTGGAGGCCCA-3'
Protein context (NP_000379.3, residues 971-991): GTVTFSLSFD[Glu981Gly]PQKNAMAHRN